The following is an entry in ClinVar:

NM_182476.3(COQ6):c.204C>T (p.Leu68=)

Gene: COQ6 (coenzyme Q6, monooxygenase; plus strand). Cytogenetic location: 14q24.3.
Variant type: single nucleotide variant.
Coding change: c.204C>T on transcript NM_182476.3 (MANE Select); coding-DNA position 204, C replaced by T.
Protein change: p.Leu68=; no amino-acid change (leucine 68 retained).
Molecular consequence: synonymous variant.
Genome position (GRCh38, 1-based): chr14:73,953,475, C>T. VCF-style: chr14-73953475-C-T. GRCh37 (hg19) VCF-style: chr14-74420178-C-T.
Other names: p.Leu68=; c.129C>T, p.Leu43= (NM_182480.3).
Identifiers: ClinVar variation 390073 (VCV000390073.13), dbSNP rs138571550, ClinGen allele CA7264090.

ClinVar aggregate classification (germline): Likely benign. Review status: criteria provided, multiple submitters, no conflicts (2 of 4 stars). 4 submissions from 4 submitters: Likely benign (3). 1 of the submissions does not count toward it. Last evaluated 2025-05-20.

Conditions:
COQ6-related disorder. Also called: COQ6-related condition.

Allele frequency attached by ClinVar (database versions not stated): gnomAD exomes 0.00002 and 0.00005; ExAC 0.00008; 1000 Genomes Project 30x 0.00016; 1000 Genomes Project 0.00020; gnomAD 0.00023 and 0.00024; TOPMed 0.00024; ESP Exome Variant Server 0.00038.
gnomAD v4.1: 66 of 1,613,888 alleles (0.0041%); highest among the groups gnomAD compares: African/African-American, 0.083%; no homozygotes.

Submissions (4):

Mayo Clinic Laboratories, Mayo Clinic
Classification: Likely benign. Last evaluated: 2025-05-20. Review status: criteria provided, single submitter. Criteria: ACMG Guidelines, 2015. Collection method: clinical testing. Allele origin: germline. Observed: 1 variant allele.
Comment: BP4, BP7

Labcorp Genetics (formerly Invitae), Labcorp
Classification: Likely benign. Last evaluated: 2022-07-23. Review status: criteria provided, single submitter. Criteria: Invitae Variant Classification Sherloc (09022015). Collection method: clinical testing. Allele origin: germline.

GeneDx
Classification: Likely benign. Last evaluated: 2020-12-22. Review status: criteria provided, single submitter. Criteria: GeneDx Variant Classification Process June 2021. Collection method: clinical testing. Allele origin: germline. Affected: yes.

PreventionGenetics, part of Exact Sciences
Classification: Likely benign for COQ6-related condition. Last evaluated: 2019-10-22. Review status: no assertion criteria provided. Collection method: clinical testing. Allele origin: germline. Not counted in ClinVar's aggregate classification.
Comment: This variant is classified as likely benign based on ACMG/AMP sequence variant interpretation guidelines (Richards et al. 2015 PMID: 25741868, with internal and published modifications).